The following is an entry in ClinVar:

ClinVar aggregate classification (germline): Benign/Likely benign. Review status: criteria provided, multiple submitters, no conflicts (2 of 4 stars). 2 submissions from 2 submitters: Benign (1); Likely benign (1). Last evaluated 2025-08-05.

Allele frequency attached by ClinVar (database versions not stated): gnomAD exomes 0.00023 and 0.00082; gnomAD 0.00026 and 0.00037; TOPMed 0.00052; ExAC 0.00077; 1000 Genomes Project 0.00140; 1000 Genomes Project 30x 0.00172.
gnomAD v4.1: 414 of 1,599,298 alleles (0.026%); highest among the groups gnomAD compares: East Asian, 0.63%; 1 homozygote.

Submissions (2):

Labcorp Genetics (formerly Invitae), Labcorp
Classification: Benign. Last evaluated: 2025-08-05. Review status: criteria provided, single submitter. Criteria: Invitae Variant Classification Sherloc (09022015). Collection method: clinical testing. Allele origin: germline.

CeGaT Center for Human Genetics Tuebingen
Classification: Likely benign. Last evaluated: 2025-03-01. Review status: criteria provided, single submitter. Criteria: CeGaT Center For Human Genetics Tuebingen Variant Classification Criteria Version 2. Collection method: clinical testing. Allele origin: germline. Affected: yes. Observed: 1 variant allele.
Comment: GLYCTK: BP4, BP7

NM_145262.4(GLYCTK):c.21C>T (p.Val7=)

Gene: GLYCTK (glycerate kinase; plus strand). Cytogenetic location: 3p21.2.
Variant type: single nucleotide variant.
Coding change: c.21C>T on transcript NM_145262.4 (MANE Select); coding-DNA position 21, C replaced by T.
Protein change: p.Val7=; no amino-acid change (valine 7 retained).
Molecular consequence: synonymous variant. On other transcripts: non-coding transcript variant (3).
Genome position (GRCh38, 1-based): chr3:52,290,363, C>T. VCF-style: chr3-52290363-C-T. GRCh37 (hg19) VCF-style: chr3-52324379-C-T.
Other names: c.21C>T, p.Val7= (NM_001144951.2).
Identifiers: ClinVar variation 732033 (VCV000732033.16), dbSNP rs3796344, ClinGen allele CA2431974.